The following is an entry in ClinVar:

ClinVar aggregate classification (germline): Uncertain significance. Review status: criteria provided, multiple submitters, no conflicts (2 of 4 stars). 3 submissions from 3 submitters: Uncertain significance (3). Last evaluated 2025-06-20.

Conditions:
Cardiovascular phenotype. Identifiers: MedGen CN230736.
Long QT syndrome (LQTS). Identifiers: MedGen C0023976, MeSH D008133, MONDO:0002442. Disease mechanism: loss of function. Inheritance: Various modes of inheritance.
Long QT syndrome 11 (LQT11). Identifiers: Orphanet 101016, Orphanet 768, MedGen C2678483, MONDO:0012738, OMIM 611820.

Allele frequency attached by ClinVar (database versions not stated): gnomAD 0.00009 and 0.00011; TOPMed 0.00015; ESP Exome Variant Server 0.00023.
gnomAD v4.1: 25 of 1,613,974 alleles (0.0015%); highest among the groups gnomAD compares: African/African-American, 0.032%; no homozygotes.

Submissions (3):

Labcorp Genetics (formerly Invitae), Labcorp
Classification: Uncertain significance for Long QT syndrome. Last evaluated: 2025-06-20. Review status: criteria provided, single submitter. Criteria: Invitae Variant Classification Sherloc (09022015). Collection method: clinical testing. Allele origin: germline.
Comment: This sequence change replaces histidine, which is basic and polar, with proline, which is neutral and non-polar, at codon 409 of the AKAP9 protein (p.His409Pro). This variant is present in population databases (rs138535219, gnomAD 0.04%). This variant has not been reported in the literature in individuals affected with AKAP9-related conditions. ClinVar contains an entry for this variant (Variation ID: 965818). An algorithm developed to predict the effect of missense changes on protein structure and function (PolyPhen-2) suggests that this variant is likely to be disruptive. In summary, the available evidence is currently insufficient to determine the role of this variant in disease. Therefore, it has been classified as a Variant of Uncertain Significance.

Ambry Genetics
Classification: Uncertain significance for Cardiovascular phenotype. Last evaluated: 2022-04-14. Review status: criteria provided, single submitter. Criteria: Ambry Variant Classification Scheme 2023. Collection method: clinical testing. Allele origin: germline.

Fulgent Genetics
Classification: Uncertain significance for Long QT syndrome 11. Last evaluated: 2021-08-20. Review status: criteria provided, single submitter. Criteria: ACMG Guidelines, 2015. Collection method: clinical testing. Allele origin: unknown.

NM_005751.5(AKAP9):c.1226A>C (p.His409Pro)

Gene: AKAP9 (A-kinase anchoring protein 9; plus strand). Cytogenetic location: 7q21.2.
Variant type: single nucleotide variant.
Coding change: c.1226A>C on transcript NM_005751.5 (MANE Select); coding-DNA position 1226, A replaced by C.
Protein change: p.His409Pro; replaces histidine 409 with proline.
Molecular consequence: missense variant.
Genome position (GRCh38, 1-based): chr7:92,001,143, A>C. VCF-style: chr7-92001143-A-C. GRCh37 (hg19) VCF-style: chr7-91630457-A-C.
Other names: c.1226A>C, p.His409Pro (NM_147185.3); short protein forms H409P.
Identifiers: ClinVar variation 965818 (VCV000965818.11), dbSNP rs138535219, ClinGen allele CA4335983.